The following is an entry in ClinVar:

ClinVar aggregate classification (germline): Likely pathogenic (1 of 4 stars; one submission).

Submission:

GeneDx
Classification: Likely pathogenic. Last evaluated: 2022-08-19. Review status: criteria provided, single submitter. Criteria: GeneDx Variant Classification Process June 2021. Collection method: clinical testing. Allele origin: germline. Affected: yes.
Comment: Not observed at significant frequency in large population cohorts (gnomAD); In silico analysis supports a deleterious effect on splicing; In silico analysis supports that this missense variant has a deleterious effect on protein structure/function; This variant is associated with the following publications: (PMID: 26289989, 29037998, 31837199)

NM_000474.4(TWIST1):c.528C>G (p.Ser176Arg)

Genes: TWIST1 (twist family bHLH transcription factor 1; minus strand), LOC129998021 (ATAC-STARR-seq lymphoblastoid active region 25682; plus strand). Cytogenetic location: 7p21.1.
Variant type: single nucleotide variant.
Coding change: c.528C>G on transcript NM_000474.4 (MANE Select); coding-DNA position 528, C replaced by G.
Protein change: p.Ser176Arg; replaces serine 176 with arginine.
Molecular consequence: missense variant. On other transcripts: non-coding transcript variant (1).
Genome position (GRCh38, 1-based): chr7:19,116,794, G>C on the plus strand (C>G on the coding strand, the complement: TWIST1 is on the minus strand). VCF-style: chr7-19116794-G-C. GRCh37 (hg19) VCF-style: chr7-19156417-G-C.
Other names: short protein forms S176R.
Identifiers: ClinVar variation 2430914 (VCV002430914.1), dbSNP rs2486049259, ClinGen allele CA367015235.
Genomic context (GRCh38, chr7:19,116,794, plus strand): 5'-CCAGGCCCCCTCCATCCTCCAGACCGAGAAGGCGTAGCTGAGCCGCTCGTGAGCCACATA[G>C]CTGCAGCTTGCCATCTTGGAGTCCAGCTCGTCGCTCTGGAGGACCTGGTAGAGGAAGTCG-3'
Protein context (NP_000465.1, residues 166-186): DELDSKMASC[Ser176Arg]YVAHERLSYA